The following is an entry in ClinVar:

NM_000368.5(TSC1):c.140_146del (p.Asp47fs)

Gene: TSC1 (TSC complex subunit 1; minus strand). Cytogenetic location: 9q34.13.
Variant type: Deletion.
Coding change: c.140_146del on transcript NM_000368.5 (MANE Select); coding-DNA positions 140 to 146, 7 bases deleted (ATTATTA; older notation c.140_146delATTATTA).
Protein change: p.Asp47fs; shifts the reading frame from aspartic acid 47.
Molecular consequence: frameshift variant. On other transcripts: intron variant (1).
Genome position (GRCh38, 1-based): chr9:132,927,265-132,927,271, TAATAAT deleted on the plus strand (ATTATTA on the coding strand, the reverse complement: TSC1 is on the minus strand). VCF-style (leftmost placement, unchanged base first): chr9-132927264-GTAATAAT-G. GRCh37 (hg19) VCF-style: chr9-135802651-GTAATAAT-G.
Other names: c.140_146del, p.Asp47fs (NM_001162426.2, NM_001162427.2); c.140_146delATTATTA, p.Asp47Alafs (NM_001406592.1, NM_001406593.1, NM_001406594.1 and 19 more transcripts); c.-349_-343delATTATTA (NM_001406615.1, NM_001406623.1); c.-316_-310delATTATTA (NM_001406616.1, NM_001406624.1); c.-738_-732delATTATTA (NM_001406626.1, NM_001406627.1, NM_001406628.1); c.-880_-874delATTATTA (NM_001406629.1); c.-954_-948delATTATTA (NM_001406630.1); c.-154+1496_-154+1502del (NM_001362177.2); short protein forms D47fs.
Identifiers: ClinVar variation 2015286 (VCV002015286.5), dbSNP rs2539113178, ClinGen allele CA2580079896.

ClinVar aggregate classification (germline): Pathogenic. Review status: criteria provided, multiple submitters, no conflicts (2 of 4 stars). 2 submissions from 2 submitters: Pathogenic (2). Last evaluated 2024-09-10.

Conditions:
Hereditary cancer-predisposing syndrome. Also called: Neoplastic Syndromes, Hereditary; Hereditary neoplastic syndrome; Tumor predisposition; Hereditary Cancer Syndrome. Identifiers: Orphanet 140162, MedGen C0027672, MeSH D009386, MONDO:0015356.
Tuberous sclerosis 1 (TSC1). Identifiers: Orphanet 805, MedGen C1854465, MONDO:0008612, OMIM 191100.

Submissions (2):

Ambry Genetics
Classification: Pathogenic for Hereditary cancer-predisposing syndrome. Last evaluated: 2024-09-10. Review status: criteria provided, single submitter. Criteria: Ambry Variant Classification Scheme 2023. Collection method: clinical testing. Allele origin: germline.
Comment: The c.140_146delATTATTA pathogenic mutation, located in coding exon 2 of the TSC1 gene, results from a deletion of 7 nucleotides at nucleotide positions 140 to 146, causing a translational frameshift with a predicted alternate stop codon (p.D47Afs*13). This variant has been observed in at least one individual with a personal and/or family history that is consistent with Tuberous sclerosis complex (Ambry internal data).This variant is considered to be rare based on population cohorts in the Genome Aggregation Database (gnomAD). This alteration is expected to result in loss of function by premature protein truncation or nonsense-mediated mRNA decay. As such, this alteration is interpreted as a disease-causing mutation.

Labcorp Genetics (formerly Invitae), Labcorp
Classification: Pathogenic for Tuberous sclerosis 1. Last evaluated: 2022-07-09. Review status: criteria provided, single submitter. Criteria: Invitae Variant Classification Sherloc (09022015). Collection method: clinical testing. Allele origin: germline.
Comment: For these reasons, this variant has been classified as Pathogenic. This variant has not been reported in the literature in individuals affected with TSC1-related conditions. This variant is not present in population databases (gnomAD no frequency). This sequence change creates a premature translational stop signal (p.Asp47Alafs*13) in the TSC1 gene. It is expected to result in an absent or disrupted protein product. Loss-of-function variants in TSC1 are known to be pathogenic (PMID: 10227394, 17304050).

Literature cited by the submitters: PubMed 10227394 (cited by Labcorp Genetics (formerly Invitae), Labcorp); PubMed 17304050 (cited by Labcorp Genetics (formerly Invitae), Labcorp).